The following is an entry in ClinVar:

ClinVar aggregate classification (germline): Likely benign (1 of 4 stars; one submission).

Allele frequency attached by ClinVar (database versions not stated): ExAC 0.00003; gnomAD 0.00003; gnomAD exomes 0.00003; TOPMed 0.00003; ESP Exome Variant Server 0.00019.
gnomAD v4.1: 35 of 1,204,681 alleles (0.0029%); highest among the groups gnomAD compares: Middle Eastern, 0.069%; no homozygotes.

Submission:

CeGaT Center for Human Genetics Tuebingen
Classification: Likely benign. Last evaluated: 2022-08-01. Review status: criteria provided, single submitter. Criteria: CeGaT Center For Human Genetics Tuebingen Variant Classification Criteria Version 2. Collection method: clinical testing. Allele origin: germline. Affected: yes. Observed: 1 variant allele.
Comment: MED14: BP4, BP7

NM_004229.4(MED14):c.3390C>T (p.Ala1130=)

Gene: MED14 (mediator complex subunit 14; minus strand). Cytogenetic location: Xp11.4.
Variant type: single nucleotide variant.
Coding change: c.3390C>T on transcript NM_004229.4 (MANE Select); coding-DNA position 3390, C replaced by T.
Protein change: p.Ala1130=; no amino-acid change (alanine 1130 retained).
Molecular consequence: synonymous variant.
Genome position (GRCh38, 1-based): chrX:40,664,365, G>A on the plus strand (C>T on the coding strand, the complement: MED14 is on the minus strand). VCF-style: chrX-40664365-G-A. GRCh37 (hg19) VCF-style: chrX-40523617-G-A.
Identifiers: ClinVar variation 2660324 (VCV002660324.24), dbSNP rs142754925, ClinGen allele CA10387683.
Genomic context (GRCh38, chrX:40,664,365, plus strand): 5'-ACTTGTTCCAGCTCGAGGGGAATGAGAAGCATCTGGAACCGGAGAATGTAGTGAGGGGTT[G>A]GCTGGTGACATTCCAGGCATGCGTGCTGCTGGTGAGGGGCCAGACACTTGAGGAGATCCT-3'
Protein context (NP_004220.2, residues 1120-1140): PAARMPGMSP[Ala1130=]NPSLHSPVPD